The following is an entry in ClinVar:

NM_005097.4(LGI1):c.64T>A (p.Phe22Ile)

Gene: LGI1 (leucine rich glioma inactivated 1; plus strand). Cytogenetic location: 10q23.33.
Variant type: single nucleotide variant.
Coding change: c.64T>A on transcript NM_005097.4 (MANE Select); coding-DNA position 64, T replaced by A.
Protein change: p.Phe22Ile; replaces phenylalanine 22 with isoleucine.
Molecular consequence: missense variant. On other transcripts: non-coding transcript variant (1).
Genome position (GRCh38, 1-based): chr10:93,758,208, T>A. VCF-style: chr10-93758208-T-A. GRCh37 (hg19) VCF-style: chr10-95517965-T-A.
Other names: c.64T>A, p.Phe22Ile (NM_001308275.2, NM_001308276.2); short protein forms F22I.
Identifiers: ClinVar variation 1355868 (VCV001355868.6), dbSNP rs2133975421, ClinGen allele CA377631181.

ClinVar aggregate classification (germline): Uncertain significance (1 of 4 stars; one submission).

Conditions:
Autosomal dominant epilepsy with auditory features. Identifiers: Orphanet 101046, MedGen C1838062, MONDO:0010898.

Submission:

Labcorp Genetics (formerly Invitae), Labcorp
Classification: Uncertain significance for Autosomal dominant epilepsy with auditory features. Last evaluated: 2022-08-09. Review status: criteria provided, single submitter. Criteria: Invitae Variant Classification Sherloc (09022015). Collection method: clinical testing. Allele origin: germline.
Comment: In summary, the available evidence is currently insufficient to determine the role of this variant in disease. Therefore, it has been classified as a Variant of Uncertain Significance. Algorithms developed to predict the effect of missense changes on protein structure and function (SIFT, PolyPhen-2, Align-GVGD) all suggest that this variant is likely to be tolerated. ClinVar contains an entry for this variant (Variation ID: 1355868). This variant has not been reported in the literature in individuals affected with LGI1-related conditions. This variant is not present in population databases (gnomAD no frequency). This sequence change replaces phenylalanine, which is neutral and non-polar, with isoleucine, which is neutral and non-polar, at codon 22 of the LGI1 protein (p.Phe22Ile).